The following is an entry in ClinVar:

NM_020975.6(RET):c.3247A>G (p.Thr1083Ala)

Gene: RET (ret proto-oncogene; plus strand). Cytogenetic location: 10q11.21.
Variant type: single nucleotide variant.
Coding change: c.3247A>G on transcript NM_020975.6 (MANE Select); coding-DNA position 3247, A replaced by G.
Protein change: p.Thr1083Ala; replaces threonine 1083 with alanine.
Molecular consequence: missense variant.
Genome position (GRCh38, 1-based): chr10:43,128,171, A>G. VCF-style: chr10-43128171-A-G. GRCh37 (hg19) VCF-style: chr10-43623619-A-G.
Other names: c.3247A>G (LRG_518t1); short protein forms T1083A.
Identifiers: ClinVar variation 241361 (VCV000241361.10), dbSNP rs878855064, ClinGen allele CA10582728.

ClinVar aggregate classification (germline): Uncertain significance. Review status: criteria provided, multiple submitters, no conflicts (2 of 4 stars). 2 submissions from 2 submitters: Uncertain significance (2). Last evaluated 2025-05-29.

Conditions:
Hereditary cancer-predisposing syndrome. Also called: Tumor predisposition; Neoplastic Syndromes, Hereditary; Hereditary Cancer Syndrome; Hereditary neoplastic syndrome. Identifiers: Orphanet 140162, MedGen C0027672, MeSH D009386, MONDO:0015356.
Multiple endocrine neoplasia, type 2 (MEN2). Identifiers: Orphanet 653, MedGen C4048306, MONDO:0019003. Disease mechanism: gain of function.

Submissions (2):

Ambry Genetics
Classification: Uncertain significance for Hereditary cancer-predisposing syndrome. Last evaluated: 2025-05-29. Review status: criteria provided, single submitter. Criteria: Ambry Variant Classification Scheme 2023. Collection method: clinical testing. Allele origin: germline.
Comment: The p.T1083A variant (also known as c.3247A>G), located in coding exon 20 of the RET gene, results from an A to G substitution at nucleotide position 3247. The threonine at codon 1083 is replaced by alanine, an amino acid with similar properties. This amino acid position is well conserved in available vertebrate species. In addition, the in silico prediction for this alteration is inconclusive. Based on the available evidence, the clinical significance of this variant remains unclear.

Labcorp Genetics (formerly Invitae), Labcorp
Classification: Uncertain significance for Multiple endocrine neoplasia, type 2. Last evaluated: 2023-11-24. Review status: criteria provided, single submitter. Criteria: Invitae Variant Classification Sherloc (09022015). Collection method: clinical testing. Allele origin: germline.
Comment: This sequence change replaces threonine, which is neutral and polar, with alanine, which is neutral and non-polar, at codon 1083 of the RET protein (p.Thr1083Ala). This variant is not present in population databases (gnomAD no frequency). This variant has not been reported in the literature in individuals affected with RET-related conditions. ClinVar contains an entry for this variant (Variation ID: 241361). An algorithm developed to predict the effect of missense changes on protein structure and function (PolyPhen-2) suggests that this variant is likely to be tolerated. In summary, the available evidence is currently insufficient to determine the role of this variant in disease. Therefore, it has been classified as a Variant of Uncertain Significance.